The following is an entry in ClinVar:

ClinVar aggregate classification (germline): Conflicting classifications of pathogenicity. Review status: criteria provided, conflicting classifications (1 of 4 stars). 2 submissions from 2 submitters: Pathogenic (1); Uncertain significance (1). Last evaluated 2024-02-15.

Conditions:
Nephronophthisis. Also called: Juvenile Nephronophthisis. Identifiers: Orphanet 655, MedGen C0687120, MONDO:0019005, HP:0000090.

Allele frequency attached by ClinVar (database versions not stated): TOPMed below 0.00001; gnomAD exomes 0.00001.

Submissions (2):

Labcorp Genetics (formerly Invitae), Labcorp
Classification: Pathogenic for Nephronophthisis. Last evaluated: 2024-02-15. Review status: criteria provided, single submitter. Criteria: Invitae Variant Classification Sherloc (09022015). Collection method: clinical testing. Allele origin: germline.
Comment: This sequence change replaces glutamic acid, which is acidic and polar, with lysine, which is basic and polar, at codon 330 of the NPHP3 protein (p.Glu330Lys). This variant is present in population databases (rs758498695, gnomAD 0.006%). This missense change has been observed in individual(s) with clinical features of NPHP3-related conditions (Invitae). In at least one individual the data is consistent with being in trans (on the opposite chromosome) from a pathogenic variant. It has also been observed to segregate with disease in related individuals. ClinVar contains an entry for this variant (Variation ID: 216011). Advanced modeling of protein sequence and biophysical properties (such as structural, functional, and spatial information, amino acid conservation, physicochemical variation, residue mobility, and thermodynamic stability) has been performed at Invitae for this missense variant, however the output from this modeling did not meet the statistical confidence thresholds required to predict the impact of this variant on NPHP3 protein function. For these reasons, this variant has been classified as Pathogenic.

Blueprint Genetics
Classification: Uncertain significance. Last evaluated: 2022-01-15. Review status: criteria provided, single submitter. Criteria: ACMG Guidelines, 2015. Collection method: clinical testing. Allele origin: germline.

NM_153240.5(NPHP3):c.988G>A (p.Glu330Lys)

Genes: NPHP3 (nephrocystin 3; minus strand), NPHP3-ACAD11 (NPHP3-ACAD11 readthrough (NMD candidate); minus strand). Cytogenetic location: 3q22.1.
Variant type: single nucleotide variant.
Coding change: c.988G>A on transcript NM_153240.5 (MANE Select); coding-DNA position 988, G replaced by A.
Protein change: p.Glu330Lys; replaces glutamic acid 330 with lysine.
Molecular consequence: missense variant. On other transcripts: non-coding transcript variant (1).
Genome position (GRCh38, 1-based): chr3:132,713,256, C>T on the plus strand (G>A on the coding strand, the complement: NPHP3 is on the minus strand). VCF-style: chr3-132713256-C-T. GRCh37 (hg19) VCF-style: chr3-132432100-C-T.
Other names: short protein forms E330K.
Identifiers: ClinVar variation 216011 (VCV000216011.11), dbSNP rs758498695, ClinGen allele CA337187.
Genomic context (GRCh38, chr3:132,713,256, plus strand): 5'-GGTATTGATTTTCAACATCTATTGGAAAATAAACAGCATGGAAAAAATATCCCATTGTCT[C>T]GCACATTCTCTTAAGTTTAGGTGAATAGTCCTAAAAACAAATGAAAACATACAAAAGTTT-3'
Protein context (NP_694972.3, residues 320-340): DYSPKLKRMC[Glu330Lys]TMGYFFHAVY